The following is an entry in ClinVar:

NM_032776.3(JMJD1C):c.6571-9A>G

Gene: JMJD1C (jumonji domain containing 1C; minus strand). Cytogenetic location: 10q21.3.
Variant type: single nucleotide variant.
Coding change: c.6571-9A>G on transcript NM_032776.3 (MANE Select); 9 bases into the intron before coding-DNA position 6571, A replaced by G.
Molecular consequence: intron variant.
Genome position (GRCh38, 1-based): chr10:63,186,392, T>C on the plus strand (A>G on the coding strand, the complement: JMJD1C is on the minus strand). VCF-style: chr10-63186392-T-C. GRCh37 (hg19) VCF-style: chr10-64946152-T-C.
Other names: c.6571-9A>G (NM_032776.2); c.5914-9A>G (NM_001322258.2, NM_001322254.2); c.6025-9A>G (NM_001318154.2, NM_001282948.2); c.6457-9A>G (NM_001322252.2); c.5707-9A>G (NM_001318153.2).
Identifiers: ClinVar variation 2707880 (VCV002707880.5), dbSNP rs371203235, ClinGen allele CA5517837.
Genomic context (GRCh38, chr10:63,186,392, plus strand): 5'-CCTTCCATAGGCTAATGTTCATTTTCTTATGCACACCAGAAACCACTGCAGGCTTATAAA[T>C]AGATAAATAAATAACAGTTAAAAGATATATAGACTTTCTTTTTTGTTTGTTTGTTTGTTT-3'

ClinVar aggregate classification (germline): Likely benign. Review status: criteria provided, single submitter (1 of 4 stars). 2 submissions from 2 submitters: Likely benign (1). 1 of the submissions does not count toward it. Last evaluated 2023-07-07.

Conditions:
JMJD1C-related disorder. Also called: JMJD1C-related condition.
Early Myoclonic Encephalopathy. Identifiers: MedGen C0270855.

Allele frequency attached by ClinVar (database versions not stated): gnomAD 0.00001; ExAC 0.00003; TOPMed 0.00019; gnomAD exomes 0.00001; ESP Exome Variant Server 0.00009.

Submissions (2):

Labcorp Genetics (formerly Invitae), Labcorp
Classification: Likely benign for Early Myoclonic Encephalopathy. Last evaluated: 2023-07-07. Review status: criteria provided, single submitter. Criteria: Invitae Variant Classification Sherloc (09022015). Collection method: clinical testing. Allele origin: germline.

PreventionGenetics, part of Exact Sciences
Classification: Likely benign for JMJD1C-related condition. Last evaluated: 2019-06-06. Review status: no assertion criteria provided. Collection method: clinical testing. Allele origin: germline. Not counted in ClinVar's aggregate classification.
Comment: This variant is classified as likely benign based on ACMG/AMP sequence variant interpretation guidelines (Richards et al. 2015 PMID: 25741868, with internal and published modifications).